The following is an entry in ClinVar:

NM_001615.4(ACTG2):c.770G>A (p.Arg257His)

Gene: ACTG2 (actin gamma 2, smooth muscle; plus strand). Cytogenetic location: 2p13.1.
Variant type: single nucleotide variant.
Coding change: c.770G>A on transcript NM_001615.4 (MANE Select); coding-DNA position 770, G replaced by A.
Protein change: p.Arg257His; replaces arginine 257 with histidine.
Molecular consequence: missense variant.
Genome position (GRCh38, 1-based): chr2:73,914,836, G>A. VCF-style: chr2-73914836-G-A. GRCh37 (hg19) VCF-style: chr2-74141963-G-A.
Other names: c.641G>A, p.Arg214His (NM_001199893.2); short protein forms R257H, R214H.
Identifiers: ClinVar variation 208792 (VCV000208792.18), dbSNP rs797044959, ClinGen allele CA204921.

ClinVar aggregate classification (germline): Pathogenic. Review status: criteria provided, multiple submitters, no conflicts (2 of 4 stars). 8 submissions from 8 submitters: Pathogenic (5). 3 of the submissions do not count toward it. Last evaluated 2025-12-10.

Conditions:
ACTG2-related disorder. Also called: ACTG2-related condition.
Megacystis-microcolon-intestinal hypoperistalsis syndrome 5. Identifiers: MedGen C5543636, MONDO:0030329, OMIM 619431.
Chronic intestinal pseudoobstruction. Also called: Chronic Intestinal Pseudoobstruction (CIPO). Identifiers: Orphanet 2978, MedGen C0238062, MONDO:0017574.
Megacystis. Identifiers: MedGen C1855311, HP:0000021.
Inborn genetic diseases. Identifiers: MedGen C0950123, MeSH D030342.
Visceral myopathy 1 (VSCM1). Also called: Infantile visceral myopathy; Visceral myopathy; ACTG2 Visceral Myopathy. Identifiers: Orphanet 2604, MedGen C5542197, MONDO:0020754, OMIM 155310.

Submissions (8):

3billion
Classification: Pathogenic for Visceral myopathy 1. Last evaluated: 2025-12-10. Review status: criteria provided, single submitter. Criteria: ACMG Guidelines, 2015. Collection method: clinical testing. Allele origin: germline. Affected: yes.
Comment: The variant is not observed in the gnomAD v4.1.0 dataset. Predicted Consequence/Location: Missense variant. Missense changes are a common disease-causing mechanism. In silico tool predictions suggest damaging effect of the variant on gene or gene product [REVEL: 0.99 (>=0.6, sensitivity 0.68 and specificity 0.92); 3Cnet: 0.99 (> 0.75, sensitivity 0.96 and precision 0.92)]. The same nucleotide change resulting in the same amino acid change has been previously reported as pathogenic/likely pathogenic with strong evidence (ClinVar ID: VCV000208792 /PMID: 24901346 /3billion dataset). A different missense change at the same codon (p.Arg257Cys) has been reported as pathogenic/likely pathogenic with strong evidence (ClinVar ID: VCV000132803 /PMID: 24676022 /3billion dataset). Therefore, this variant is classified as Pathogenic according to the recommendation of ACMG/AMP guideline.

GeneDx
Classification: Pathogenic. Last evaluated: 2022-04-12. Review status: criteria provided, single submitter. Criteria: GeneDx Variant Classification Process June 2021. Collection method: clinical testing. Allele origin: germline. Affected: yes.
Comment: Not observed at significant frequency in large population cohorts (gnomAD); In silico analysis supports that this missense variant has a deleterious effect on protein structure/function; This variant is associated with the following publications: (PMID: 26647307, 25998219, 24901346, 26813947, 27481187, 27007401, 31965297)

Blueprint Genetics
Classification: Pathogenic for ACTG2-related disorders. Last evaluated: 2021-03-12. Review status: criteria provided, single submitter. Criteria: ACMG Guidelines, 2015. Collection method: clinical testing. Allele origin: germline. Affected: yes. Observed: 4 variant alleles.

Genomic Medicine Lab, University of California San Francisco
Classification: Pathogenic for Visceral myopathy 1. Last evaluated: 2020-03-26. Review status: criteria provided, single submitter. Criteria: ACMG Guidelines, 2015. Collection method: clinical testing. Allele origin: de novo. Inheritance: Autosomal dominant inheritance. Affected: yes. Study: CSER-P3EGS.

Ambry Genetics
Classification: Pathogenic for Inborn genetic diseases. Last evaluated: 2012-10-16. Review status: criteria provided, single submitter. Criteria: Ambry Autosomal Dominant and X-Linked criteria (10/2015). Collection method: clinical testing. Allele origin: germline. Observed: 1 variant allele.
Comment: Co-segregation data for this variant is currently unavailable. This amino acid position is highly conserved in available vertebrate species.This alteration is predicted to be probably damaging with a score of 0.988 (sensitivity: 0.53; specificity: 0.95)

OMIM
Classification: Pathogenic for MEGACYSTIS-MICROCOLON-INTESTINAL HYPOPERISTALSIS SYNDROME 5. Last evaluated: 2021-07-15. Review status: no assertion criteria provided. Collection method: literature only. Allele origin: germline. Not counted in ClinVar's aggregate classification.

UOSD Genetics and Genomics of Rare Diseases, Istituto Giannina Gaslini
Classification: Pathogenic for Chronic intestinal pseudoobstruction; Megacystis. Last evaluated: 2015-05-02. Review status: no assertion criteria provided. Collection method: research. Allele origin: germline. Affected: yes. Not counted in ClinVar's aggregate classification.

GeneReviews
No classification provided. Condition: Visceral myopathy 1. Review status: no classification provided. Collection method: literature only. Allele origin: germline. Not counted in ClinVar's aggregate classification.
Comment: High rate of a poor outcome (mortality and/or multivisceral transplantation) or microcolon

Literature cited by the submitters: PubMed 24901346 (cited by 3billion); PubMed 24676022 (cited by 3billion and UOSD Genetics and Genomics of Rare Diseases, Istituto Giannina Gaslini); PubMed 27481187 (cited by OMIM); PubMed 26813947 (cited by UOSD Genetics and Genomics of Rare Diseases, Istituto Giannina Gaslini); PubMed 26072522 (cited by UOSD Genetics and Genomics of Rare Diseases, Istituto Giannina Gaslini and GeneReviews); PubMed 25998219 (cited by UOSD Genetics and Genomics of Rare Diseases, Istituto Giannina Gaslini); PubMed 24337657 (cited by UOSD Genetics and Genomics of Rare Diseases, Istituto Giannina Gaslini); PubMed 31769566 (cited by GeneReviews).